The following is an entry in ClinVar:

ClinVar aggregate classification (germline): Conflicting classifications of pathogenicity. Review status: criteria provided, conflicting classifications (1 of 4 stars). 4 submissions from 4 submitters: Uncertain significance (3); Likely benign (1). Last evaluated 2026-01-09.

Conditions:
Inborn genetic diseases. Identifiers: MedGen C0950123, MeSH D030342.
Familial infantile myasthenia (CMS6). Also called: Congenital myasthenic syndrome type 6; MYASTHENIC SYNDROME, PRESYNAPTIC, CONGENITAL, ASSOCIATED WITH EPISODIC APNEA; MYASTHENIC SYNDROME, CONGENITAL, 6, PRESYNAPTIC. Identifiers: Orphanet 590, MedGen C0393929, MONDO:0009689, OMIM 254210.

Allele frequency attached by ClinVar (database versions not stated): gnomAD 0.00009 and 0.00010; TOPMed 0.00010; gnomAD exomes 0.00011; ExAC 0.00021.
gnomAD v4.1: 130 of 1,547,850 alleles (0.0084%); highest among the groups gnomAD compares: Non-Finnish European, 0.011%; no homozygotes.

Submissions (4):

Labcorp Genetics (formerly Invitae), Labcorp
Classification: Likely benign for Familial infantile myasthenia. Last evaluated: 2026-01-09. Review status: criteria provided, single submitter. Criteria: Invitae Variant Classification Sherloc (09022015). Collection method: clinical testing. Allele origin: germline.

Mayo Clinic Laboratories, Mayo Clinic
Classification: Uncertain significance. Last evaluated: 2025-07-09. Review status: criteria provided, single submitter. Criteria: ACMG Guidelines, 2015. Collection method: clinical testing. Allele origin: germline. Observed: 2 variant alleles.
Comment: BP4

Ambry Genetics
Classification: Uncertain significance for Inborn genetic diseases. Last evaluated: 2024-04-24. Review status: criteria provided, single submitter. Criteria: Ambry Variant Classification Scheme 2023. Collection method: clinical testing. Allele origin: germline.

Revvity Omics, Revvity
Classification: Uncertain significance for Familial infantile myasthenia. Last evaluated: 2019-10-29. Review status: criteria provided, single submitter. Criteria: ACMG Guidelines, 2015. Collection method: clinical testing. Allele origin: germline.

NM_020549.5(CHAT):c.119G>T (p.Gly40Val)

Gene: CHAT (choline O-acetyltransferase; plus strand). Cytogenetic location: 10q11.23.
Variant type: single nucleotide variant.
Coding change: c.119G>T on transcript NM_020549.5 (MANE Select); coding-DNA position 119, G replaced by T.
Protein change: p.Gly40Val; replaces glycine 40 with valine.
Molecular consequence: missense variant. On other transcripts: 5 prime UTR variant (4), intron variant (2).
Genome position (GRCh38, 1-based): chr10:49,614,308, G>T. VCF-style: chr10-49614308-G-T. GRCh37 (hg19) VCF-style: chr10-50822354-G-T.
Other names: p.Gly40Val; c.-236G>T (NM_001142929.2, NM_020985.4); c.-198G>T (NM_001142933.2); c.-306G>T (NM_001142934.2); c.-68-2194G>T (NM_020984.4); c.-69+1106G>T (NM_020986.4); short protein forms G40V.
Identifiers: ClinVar variation 650816 (VCV000650816.15), dbSNP rs776411377, ClinGen allele CA5497028.